The following is an entry in ClinVar:

ClinVar aggregate classification (germline): Uncertain significance (1 of 4 stars; one submission).

Conditions:
Familial thoracic aortic aneurysm and aortic dissection (TAAD). Also called: Thoracic aortic aneurysms and dissections. Identifiers: Orphanet 91387, MedGen C4707243, MONDO:0019625.

Allele frequency attached by ClinVar (database versions not stated): gnomAD exomes below 0.00001 and 0.00001; ExAC 0.00001.
gnomAD v4.1: 12 of 1,613,980 alleles (0.00074%); highest among the groups gnomAD compares: Non-Finnish European, 0.001%; no homozygotes.

Submission:

Ambry Genetics
Classification: Uncertain significance for Familial thoracic aortic aneurysm and aortic dissection. Last evaluated: 2017-04-13. Review status: criteria provided, single submitter. Criteria: Ambry Variant Classification Scheme 2023. Collection method: clinical testing. Allele origin: germline.
Comment: The p.G2634D variant (also known as c.7901G>A), located in coding exon 62 of the FBN2 gene, results from a G to A substitution at nucleotide position 7901. The glycine at codon 2634 is replaced by aspartic acid, an amino acid with some similar properties. This amino acid position is highly conserved in available vertebrate species. In addition, this alteration is predicted to be deleterious by in silico analysis. Since supporting evidence is limited at this time, the clinical significance of this alteration remains unclear.

NM_001999.4(FBN2):c.7901G>A (p.Gly2634Asp)

Gene: FBN2 (fibrillin 2; minus strand). Cytogenetic location: 5q23.3.
Variant type: single nucleotide variant.
Coding change: c.7901G>A on transcript NM_001999.4 (MANE Select); coding-DNA position 7901, G replaced by A.
Protein change: p.Gly2634Asp; replaces glycine 2634 with aspartic acid.
Molecular consequence: missense variant.
Genome position (GRCh38, 1-based): chr5:128,272,058, C>T on the plus strand (G>A on the coding strand, the complement: FBN2 is on the minus strand). VCF-style: chr5-128272058-C-T. GRCh37 (hg19) VCF-style: chr5-127607750-C-T.
Other names: short protein forms G2634D.
Identifiers: ClinVar variation 519851 (VCV000519851.5), dbSNP rs756511141, ClinGen allele CA3393982.
Genomic context (GRCh38, chr5:128,272,058, plus strand): 5'-CCGACACACTGATTCCACTGGTAGTGCTGGATGTAGCCTTGGGGGCAGCCACATCTGTAG[C>T]CACCCAGGATGTTCTGGCAGCCGTGTTGGCACCTGTGGTTCCCATCACATTCATCAACAT-3'
Protein context (NP_001990.2, residues 2624-2644): CQHGCQNILG[Gly2634Asp]YRCGCPQGYI